The following is an entry in ClinVar:

NM_000493.4(COL10A1):c.2038A>G (p.Met680Val)

Genes: COL10A1 (collagen type X alpha 1 chain; minus strand), NT5DC1 (5'-nucleotidase domain containing 1; plus strand). Cytogenetic location: 6q22.1.
Variant type: single nucleotide variant.
Coding change: c.2038A>G on transcript NM_000493.4 (MANE Select); coding-DNA position 2038, A replaced by G.
Protein change: p.Met680Val; replaces methionine 680 with valine.
Molecular consequence: missense variant. On other transcripts: intron variant (1).
Genome position (GRCh38, 1-based): chr6:116,120,078, T>C on the plus strand (A>G on the coding strand, the complement: COL10A1 is on the minus strand). VCF-style: chr6-116120078-T-C. GRCh37 (hg19) VCF-style: chr6-116441241-T-C.
Other names: c.2038A>G, p.Met680Val (NM_001424106.1, NM_001424107.1); c.529+2133T>C (NM_152729.3); short protein forms M680V.
Identifiers: ClinVar variation 355090 (VCV000355090.16), dbSNP rs145003921, ClinGen allele CA3968068.
Genomic context (GRCh38, chr6:116,120,078, plus strand): 5'-GTAGAGTTAGAGAATGCTTTTTCTAGCACAAGATTTAGATTAGCTCTGTGTGTACTCACA[T>C]TGGAGCCACTAGGAATCCTGAGAAAGAGGAGTGGACATACTCAGAGGAGTATAGGCCATT-3'
Protein context (NP_000484.2, residues 670-680): SSFSGFLVAP[Met680Val]

ClinVar aggregate classification (germline): Conflicting classifications of pathogenicity. Review status: criteria provided, conflicting classifications (1 of 4 stars). 4 submissions from 4 submitters: Uncertain significance (1); Likely benign (3). Last evaluated 2025-09-23.

Conditions:
Metaphyseal chondrodysplasia, Schmid type (MCDS). Also called: SPONDYLOMETAPHYSEAL DYSPLASIA, JAPANESE TYPE. Identifiers: Orphanet 174, MedGen C0265289, MONDO:0007983, OMIM 156500.

Allele frequency attached by ClinVar (database versions not stated): gnomAD 0.00004; gnomAD exomes 0.00006 and 0.00012; ExAC 0.00007; TOPMed 0.00008; ESP Exome Variant Server 0.00031.
gnomAD v4.1: 98 of 1,613,176 alleles (0.0061%); highest among the groups gnomAD compares: Admixed American, 0.01%; no homozygotes.

Submissions (4):

Labcorp Genetics (formerly Invitae), Labcorp
Classification: Likely benign. Last evaluated: 2025-09-23. Review status: criteria provided, single submitter. Criteria: Invitae Variant Classification Sherloc (09022015). Collection method: clinical testing. Allele origin: germline.

Women's Health and Genetics/Laboratory Corporation of America, LabCorp
Classification: Likely benign. Last evaluated: 2024-10-22. Review status: criteria provided, single submitter. Criteria: LabCorp Variant Classification Summary - May 2015. Collection method: clinical testing. Allele origin: germline.
Comment: Variant summary: COL10A1 c.2038A>G (p.Met680Val) results in a conservative amino acid change located in the C1q domain (IPR001073) of the encoded protein sequence. Three of five in-silico tools predict a benign effect of the variant on protein function. The variant allele was found at a frequency of 6.1e-05 in 1613176 control chromosomes, predominantly at a frequency of 0.0022 within the Ashkenazi Jewish subpopulation in the gnomAD database (v4). The observed variant frequency within Ashkenazi Jewish control individuals in the gnomAD database exceeds the estimated maximal expected allele frequency for a pathogenic variant in COL10A1 causing Metaphyseal Chondrodysplasia, Schmid Type phenotype. To our knowledge, no occurrence of c.2038A>G in individuals affected with Metaphyseal Chondrodysplasia, Schmid Type and no experimental evidence demonstrating its impact on protein function have been reported. ClinVar contains an entry for this variant (Variation ID: 355090). Based on the evidence outlined above, the variant was classified as likely benign.

GeneDx
Classification: Uncertain significance. Last evaluated: 2019-02-18. Review status: criteria provided, single submitter. Criteria: GeneDx Variant Classification Process June 2021. Collection method: clinical testing. Allele origin: germline. Affected: yes.
Comment: In silico analysis, which includes protein predictors and evolutionary conservation, supports that this variant does not alter protein structure/function; Has not been previously published as pathogenic or benign to our knowledge

Illumina Laboratory Services, Illumina
Classification: Likely benign for Metaphyseal chondrodysplasia, Schmid type. Last evaluated: 2018-01-12. Review status: criteria provided, single submitter. Criteria: ICSL Variant Classification Criteria 13 December 2019. Collection method: clinical testing. Allele origin: germline.
Comment: This variant was observed in the ICSL laboratory as part of a predisposition screen in an ostensibly healthy population. It had not been previously curated by ICSL or reported in the Human Gene Mutation Database (HGMD: prior to June 1st, 2018), and was therefore a candidate for classification through an automated scoring system. Utilizing variant allele frequency, disease prevalence and penetrance estimates, and inheritance mode, an automated score was calculated to assess if this variant is too frequent to cause the disease. Based on the score and internal cut-off values, a variant classified as likely benign is not then subjected to further curation. The score for this variant resulted in a classification of likely benign for this disease.